The following is an entry in ClinVar:

NM_004064.5(CDKN1B):c.479C>T (p.Ser160Phe)

Gene: CDKN1B (cyclin dependent kinase inhibitor 1B; plus strand). Cytogenetic location: 12p13.1.
Variant type: single nucleotide variant.
Coding change: c.479C>T on transcript NM_004064.5 (MANE Select); coding-DNA position 479, C replaced by T.
Protein change: p.Ser160Phe; replaces serine 160 with phenylalanine.
Molecular consequence: missense variant.
Genome position (GRCh38, 1-based): chr12:12,718,828, C>T. VCF-style: chr12-12718828-C-T. GRCh37 (hg19) VCF-style: chr12-12871762-C-T.
Other names: short protein forms S160F.
Identifiers: ClinVar variation 1412795 (VCV001412795.11), dbSNP rs770629019, ClinGen allele CA6457546.

ClinVar aggregate classification (germline): Uncertain significance. Review status: criteria provided, multiple submitters, no conflicts (2 of 4 stars). 2 submissions from 2 submitters: Uncertain significance (2). Last evaluated 2025-12-09.

Conditions:
Hereditary cancer-predisposing syndrome. Also called: Hereditary neoplastic syndrome; Neoplastic Syndromes, Hereditary; Hereditary Cancer Syndrome; Tumor predisposition. Identifiers: Orphanet 140162, MedGen C0027672, MeSH D009386, MONDO:0015356.
Multiple endocrine neoplasia type 4. Also called: MULTIPLE ENDOCRINE NEOPLASIA, TYPE IV. Identifiers: Orphanet 276152, MedGen C1970712, MONDO:0012552, OMIM 610755.

Allele frequency attached by ClinVar (database versions not stated): gnomAD exomes below 0.00001 and 0.00001; ExAC 0.00002.

Submissions (2):

Ambry Genetics
Classification: Uncertain significance for Hereditary cancer-predisposing syndrome. Last evaluated: 2025-12-09. Review status: criteria provided, single submitter. Criteria: Ambry Variant Classification Scheme 2023. Collection method: clinical testing. Allele origin: germline.
Comment: The p.S160F variant (also known as c.479C>T), located in coding exon 2 of the CDKN1B gene, results from a C to T substitution at nucleotide position 479. The serine at codon 160 is replaced by phenylalanine, an amino acid with highly dissimilar properties. This amino acid position is conserved. In addition, this alteration is predicted to be tolerated by in silico analysis. Based on the available evidence, the clinical significance of this variant remains unclear.

Labcorp Genetics (formerly Invitae), Labcorp
Classification: Uncertain significance for Multiple endocrine neoplasia type 4. Last evaluated: 2024-05-04. Review status: criteria provided, single submitter. Criteria: Invitae Variant Classification Sherloc (09022015). Collection method: clinical testing. Allele origin: germline.
Comment: This sequence change replaces serine, which is neutral and polar, with phenylalanine, which is neutral and non-polar, at codon 160 of the CDKN1B protein (p.Ser160Phe). This variant is present in population databases (rs770629019, gnomAD 0.003%). This variant has not been reported in the literature in individuals affected with CDKN1B-related conditions. ClinVar contains an entry for this variant (Variation ID: 1412795). An algorithm developed to predict the effect of missense changes on protein structure and function (PolyPhen-2) suggests that this variant is likely to be tolerated. In summary, the available evidence is currently insufficient to determine the role of this variant in disease. Therefore, it has been classified as a Variant of Uncertain Significance.